The following is an entry in ClinVar:

ClinVar aggregate classification (germline): Likely pathogenic (1 of 4 stars; one submission).

Conditions:
Primary ciliary dyskinesia. Also called: Ciliary dyskinesia. Identifiers: Orphanet 244, MedGen C0008780, MONDO:0016575, HP:0012265.

Submission:

Department of Human Genetics, Hannover Medical School
Classification: Likely pathogenic for Primary Ciliary Dyskinesia. Last evaluated: 2026-04-01. Review status: criteria provided, single submitter. Criteria: ACMG Guidelines, 2015. Collection method: research. Allele origin: germline. Affected: no.
Comment: Classification performed by HerediClassify using the following criteria:['PM2_supporting: Variant occures does not occur as homozygous in gnomAD.', 'PVS1_protein_very_strong: Transcript ENST00000301067 is predicted to undergo NMD.']

NM_003482.4(KMT2D):c.2519_2520insTC (p.Cys841fs)

Gene: KMT2D (lysine methyltransferase 2D; minus strand). Cytogenetic location: 12q13.12.
Variant type: Insertion.
Coding change: c.2519_2520insTC on transcript NM_003482.4 (MANE Select); coding-DNA positions 2519 to 2520, TC inserted.
Protein change: p.Cys841fs; shifts the reading frame from cysteine 841.
Molecular consequence: frameshift variant.
Genome position: GRCh38 VCF-style: chr12-49051163-T-TGA. GRCh37 (hg19) VCF-style: chr12-49444946-T-TGA.
Other names: short protein forms C841fs.
Identifiers: ClinVar variation 4880054 (VCV004880054.1).